The following is an entry in ClinVar:

NM_004260.4(RECQL4):c.3374C>G (p.Pro1125Arg)

Gene: RECQL4 (RecQ like helicase 4; minus strand). Cytogenetic location: 8q24.3.
Variant type: single nucleotide variant.
Coding change: c.3374C>G on transcript NM_004260.4 (MANE Select); coding-DNA position 3374, C replaced by G.
Protein change: p.Pro1125Arg; replaces proline 1125 with arginine.
Molecular consequence: missense variant.
Genome position (GRCh38, 1-based): chr8:144,511,930, G>C on the plus strand (C>G on the coding strand, the complement: RECQL4 is on the minus strand). VCF-style: chr8-144511930-G-C. GRCh37 (hg19) VCF-style: chr8-145737313-G-C.
Other names: c.3080C>G, p.Pro1027Arg (NM_001413017.1); c.3176C>G, p.Pro1059Arg (NM_001413018.1); c.3449C>G, p.Pro1150Arg (NM_001413019.1); c.3278C>G, p.Pro1093Arg (NM_001413020.1); c.2303C>G, p.Pro768Arg (NM_001413021.1, NM_001413022.1, NM_001413024.1 and 4 more transcripts); c.2378C>G, p.Pro793Arg (NM_001413023.1); c.3245C>G, p.Pro1082Arg (NM_001413025.1); c.2237C>G, p.Pro746Arg (NM_001413027.1, NM_001413030.1, NM_001413032.1); and 10 more; short protein forms P1027R, P1093R, P636R, P1082R, P1115R, P1125R, P702R, P768R.
Identifiers: ClinVar variation 2071201 (VCV002071201.4), dbSNP rs1333082439, ClinGen allele CA372668090.

ClinVar aggregate classification (germline): Uncertain significance. Review status: criteria provided, multiple submitters, no conflicts (2 of 4 stars). 2 submissions from 2 submitters: Uncertain significance (2). Last evaluated 2025-03-05.

Conditions:
Baller-Gerold syndrome (BGS). Also called: CRANIOSYNOSTOSIS WITH RADIAL DEFECTS. Identifiers: Orphanet 1225, MedGen C0265308, MONDO:0009039, OMIM 218600.
Inborn genetic diseases. Identifiers: MedGen C0950123, MeSH D030342.

gnomAD v4.1: 2 of 1,611,112 alleles (0.00012%); highest among the groups gnomAD compares: Non-Finnish European, 0.00017%; no homozygotes.

Submissions (2):

Ambry Genetics
Classification: Uncertain significance for Inborn genetic diseases. Last evaluated: 2025-03-05. Review status: criteria provided, single submitter. Criteria: Ambry Variant Classification Scheme 2023. Collection method: clinical testing. Allele origin: germline.
Comment: The p.P1125R variant (also known as c.3374C>G), located in coding exon 19 of the RECQL4 gene, results from a C to G substitution at nucleotide position 3374. The proline at codon 1125 is replaced by arginine, an amino acid with dissimilar properties. This amino acid position is conserved. In addition, this alteration is predicted to be tolerated by in silico analysis. Based on the available evidence, the clinical significance of this variant remains unclear.

Labcorp Genetics (formerly Invitae), Labcorp
Classification: Uncertain significance for Baller-Gerold syndrome. Last evaluated: 2023-08-25. Review status: criteria provided, single submitter. Criteria: Invitae Variant Classification Sherloc (09022015). Collection method: clinical testing. Allele origin: germline.
Comment: Advanced modeling of protein sequence and biophysical properties (such as structural, functional, and spatial information, amino acid conservation, physicochemical variation, residue mobility, and thermodynamic stability) performed at Invitae indicates that this missense variant is not expected to disrupt RECQL4 protein function. ClinVar contains an entry for this variant (Variation ID: 2071201). This variant has not been reported in the literature in individuals affected with RECQL4-related conditions. This variant is not present in population databases (gnomAD no frequency). This sequence change replaces proline, which is neutral and non-polar, with arginine, which is basic and polar, at codon 1125 of the RECQL4 protein (p.Pro1125Arg). In summary, the available evidence is currently insufficient to determine the role of this variant in disease. Therefore, it has been classified as a Variant of Uncertain Significance.